The following is an entry in ClinVar:

ClinVar aggregate classification (germline): Uncertain significance (1 of 4 stars; one submission).

Submission:

Ambry Genetics
Classification: Uncertain significance. Last evaluated: 2025-05-22. Review status: criteria provided, single submitter. Criteria: Ambry Variant Classification Scheme 2023. Collection method: clinical testing. Allele origin: germline.
Comment: The p.F587C variant (also known as c.1760T>G), located in coding exon 9 of the ATRIP gene, results from a T to G substitution at nucleotide position 1760. The phenylalanine at codon 587 is replaced by cysteine, an amino acid with highly dissimilar properties. This amino acid position is conserved. In addition, the in silico prediction for this alteration is inconclusive. Based on the available evidence, the clinical significance of this variant remains unclear.

NM_130384.3(ATRIP):c.1760T>G (p.Phe587Cys)

Genes: ATRIP (ATR interacting protein; plus strand), ATRIP-TREX1 (ATRIP-TREX1 readthrough; plus strand). Cytogenetic location: 3p21.31.
Variant type: single nucleotide variant.
Coding change: c.1760T>G on transcript NM_130384.3 (MANE Select); coding-DNA position 1760, T replaced by G.
Protein change: p.Phe587Cys; replaces phenylalanine 587 with cysteine.
Molecular consequence: missense variant. On other transcripts: non-coding transcript variant (1).
Genome position (GRCh38, 1-based): chr3:48,463,759, T>G. VCF-style: chr3-48463759-T-G. GRCh37 (hg19) VCF-style: chr3-48505158-T-G.
Other names: c.1379T>G, p.Phe460Cys (NM_001271022.2); c.1481T>G, p.Phe494Cys (NM_001271023.2); c.1760T>G, p.Phe587Cys (NM_032166.4); short protein forms F460C, F494C, F587C.
Identifiers: ClinVar variation 3976758 (VCV003976758.1).